The following is an entry in ClinVar:

ClinVar aggregate classification (germline): Uncertain significance (1 of 4 stars; one submission).

Allele frequency attached by ClinVar (database versions not stated): ExAC 0.00001; gnomAD exomes 0.00001.
gnomAD v4.1: 17 of 1,613,516 alleles (0.0011%); highest among the groups gnomAD compares: East Asian, 0.0022%; no homozygotes.

Submission:

Labcorp Genetics (formerly Invitae), Labcorp
Classification: Uncertain significance. Last evaluated: 2023-03-23. Review status: criteria provided, single submitter. Criteria: Invitae Variant Classification Sherloc (09022015). Collection method: clinical testing. Allele origin: germline.
Comment: In summary, the available evidence is currently insufficient to determine the role of this variant in disease. Therefore, it has been classified as a Variant of Uncertain Significance. Algorithms developed to predict the effect of missense changes on protein structure and function output the following: SIFT: "Not Available"; PolyPhen-2: "Benign"; Align-GVGD: "Not Available". The serine amino acid residue is found in multiple mammalian species, which suggests that this missense change does not adversely affect protein function. ClinVar contains an entry for this variant (Variation ID: 1964947). This variant has not been reported in the literature in individuals affected with LRRC8A-related conditions. This variant is present in population databases (rs753242085, gnomAD 0.0009%). This sequence change replaces asparagine, which is neutral and polar, with serine, which is neutral and polar, at codon 709 of the LRRC8A protein (p.Asn709Ser).

NM_019594.4(LRRC8A):c.2126A>G (p.Asn709Ser)

Gene: LRRC8A (leucine rich repeat containing 8 VRAC subunit A; plus strand). Cytogenetic location: 9q34.11.
Variant type: single nucleotide variant.
Coding change: c.2126A>G on transcript NM_019594.4 (MANE Select); coding-DNA position 2126, A replaced by G.
Protein change: p.Asn709Ser; replaces asparagine 709 with serine.
Molecular consequence: missense variant.
Genome position (GRCh38, 1-based): chr9:128,909,290, A>G. VCF-style: chr9-128909290-A-G. GRCh37 (hg19) VCF-style: chr9-131671569-A-G.
Other names: c.2126A>G, p.Asn709Ser (NM_001127244.2, NM_001127245.2); short protein forms N709S.
Identifiers: ClinVar variation 1964947 (VCV001964947.5), dbSNP rs753242085, ClinGen allele CA5270997.
Genomic context (GRCh38, chr9:128,909,290, plus strand): 5'-ACCTGGACCTCAGCCACAACAACCTGACCTTCCTCCCTGCCGACATCGGCCTCCTGCAGA[A>G]CCTCCAGAACCTAGCCATCACGGCCAACCGGGTGAGTGGCCCGGCCACAGCTCTGCGTGT-3'
Protein context (NP_062540.2, residues 699-719): FLPADIGLLQ[Asn709Ser]LQNLAITANR